The following is an entry in ClinVar:

NM_145725.3(TRAF3):c.233C>T (p.Ala78Val)

Gene: TRAF3 (TNF receptor associated factor 3; plus strand). Cytogenetic location: 14q32.32.
Variant type: single nucleotide variant.
Coding change: c.233C>T on transcript NM_145725.3 (MANE Select); coding-DNA position 233, C replaced by T.
Protein change: p.Ala78Val; replaces alanine 78 with valine.
Molecular consequence: missense variant.
Genome position (GRCh38, 1-based): chr14:102,870,434, C>T. VCF-style: chr14-102870434-C-T. GRCh37 (hg19) VCF-style: chr14-103336771-C-T.
Other names: c.233C>T (NM_003300.3); c.233C>T, p.Ala78Val (NM_001199427.2, NM_001385142.1, NM_001385143.1 and 2 more transcripts); short protein forms A78V.
Identifiers: ClinVar variation 1422123 (VCV001422123.8), dbSNP rs775556588, ClinGen allele CA7359172.
Genomic context (GRCh38, chr14:102,870,434, plus strand): 5'-TGGTGCTGTGCAGCCCGAAGCAGACCGAGTGTGGGCACCGCTTCTGCGAGAGCTGCATGG[C>T]GGCCCTGCTGAGGTAGGCGCCCTCGCCCGGCCCGTCGCCCGGCCCCTTCTCAGCCCTCGG-3'
Protein context (NP_663777.1, residues 68-88): CGHRFCESCM[Ala78Val]ALLSSSSPKC

ClinVar aggregate classification (germline): Uncertain significance. Review status: criteria provided, multiple submitters, no conflicts (2 of 4 stars). 3 submissions from 3 submitters: Uncertain significance (3). Last evaluated 2026-09-01.

Conditions:
Immunodeficiency 132A. Also called: Herpes simplex encephalitis, susceptibility to, 3. Identifiers: Orphanet 1930, MedGen C3553868, MONDO:0013920, OMIM 614849.

Allele frequency attached by ClinVar (database versions not stated): gnomAD exomes 0.00002; gnomAD 0.00004 and 0.00005; ExAC 0.00002; TOPMed 0.00005.
gnomAD v4.1: 36 of 1,613,556 alleles (0.0022%); highest among the groups gnomAD compares: African/African-American, 0.012%; no homozygotes.

Submissions (3):

CeGaT Center for Human Genetics Tuebingen
Classification: Uncertain significance. Last evaluated: 2026-09-01. Review status: criteria provided, single submitter. Criteria: CeGaT Center For Human Genetics Tuebingen Variant Classification Criteria Version 2. Collection method: clinical testing. Allele origin: germline. Affected: yes. Observed: 1 variant allele.
Comment: TRAF3: PP2, BP4

Labcorp Genetics (formerly Invitae), Labcorp
Classification: Uncertain significance for Immunodeficiency 132A. Last evaluated: 2025-05-11. Review status: criteria provided, single submitter. Criteria: Invitae Variant Classification Sherloc (09022015). Collection method: clinical testing. Allele origin: germline.
Comment: This sequence change replaces alanine, which is neutral and non-polar, with valine, which is neutral and non-polar, at codon 78 of the TRAF3 protein (p.Ala78Val). This variant is present in population databases (rs775556588, gnomAD 0.008%). This variant has not been reported in the literature in individuals affected with TRAF3-related conditions. ClinVar contains an entry for this variant (Variation ID: 1422123). An algorithm developed to predict the effect of missense changes on protein structure and function (PolyPhen-2) suggests that this variant is likely to be tolerated. In summary, the available evidence is currently insufficient to determine the role of this variant in disease. Therefore, it has been classified as a Variant of Uncertain Significance.

Ambry Genetics
Classification: Uncertain significance. Last evaluated: 2024-08-14. Review status: criteria provided, single submitter. Criteria: Ambry Variant Classification Scheme 2023. Collection method: clinical testing. Allele origin: germline.